The following is an entry in ClinVar:

ClinVar aggregate classification (germline): Likely pathogenic (1 of 4 stars; one submission).

Conditions:
KBG syndrome (KBGS). Also called: ANKRD11-Related KBG Syndrome. Identifiers: Orphanet 2332, MedGen C0220687, MONDO:0007846, OMIM 148050.

Submission:

MGZ Medical Genetics Center
Classification: Likely pathogenic for KBG syndrome. Last evaluated: 2022-06-21. Review status: criteria provided, single submitter. Criteria: ACMG Guidelines, 2015. Collection method: clinical testing. Allele origin: germline. Affected: yes. Observed: 1 variant allele.
Comment: ACMG criteria applied: PVS1, PM2_SUP

NM_013275.6(ANKRD11):c.6101del (p.Leu2034fs)

Gene: ANKRD11 (ankyrin repeat domain 11; minus strand). Cytogenetic location: 16q24.3.
Variant type: Deletion.
Coding change: c.6101del on transcript NM_013275.6 (MANE Select); coding-DNA position 6101, one base deleted (T; older notation c.6101delT).
Protein change: p.Leu2034fs; shifts the reading frame from leucine 2034.
Molecular consequence: frameshift variant.
Genome position (GRCh38, 1-based): chr16:89,280,441, A deleted on the plus strand (T on the coding strand, the reverse complement: ANKRD11 is on the minus strand). VCF-style (leftmost placement, unchanged base first): chr16-89280440-CA-C. GRCh37 (hg19) VCF-style: chr16-89346848-CA-C.
Other names: c.6101del, p.Leu2034fs (NM_001256182.2, NM_001256183.2); short protein forms L2034fs.
Identifiers: ClinVar variation 1709287 (VCV001709287.2), dbSNP rs2544224333, ClinGen allele CA2580092405.